The following is an entry in ClinVar:

NM_000222.3(KIT):c.1494del (p.Lys499fs)

Gene: KIT (KIT proto-oncogene, receptor tyrosine kinase; plus strand). Cytogenetic location: 4q12.
Variant type: Deletion.
Coding change: c.1494del on transcript NM_000222.3 (MANE Select); coding-DNA position 1494, one base deleted (C; older notation c.1494delC).
Protein change: p.Lys499fs; shifts the reading frame from lysine 499.
Molecular consequence: frameshift variant.
Genome position (GRCh38, 1-based): chr4:54,726,004, C deleted. VCF-style (leftmost placement, unchanged base first): chr4-54726003-GC-G. GRCh37 (hg19) VCF-style: chr4-55592169-GC-G.
Other names: c.1494del, p.Lys499fs (NM_001093772.2, NM_001385285.1, NM_001385286.1); c.1497del, p.Lys500fs (NM_001385284.1, NM_001385288.1, NM_001385290.1 and 1 more transcripts); short protein forms K500fs, K499fs.
Identifiers: ClinVar variation 2706578 (VCV002706578.3), dbSNP rs2475537323, ClinGen allele CA2697546720.

ClinVar aggregate classification (germline): Pathogenic (1 of 4 stars; one submission).

Conditions:
Gastrointestinal stromal tumor. Also called: Gastrointestinal stromal tumor, somatic; Gastrointestinal stroma tumor. Identifiers: Orphanet 44890, MedGen C0238198, MeSH D046152, MONDO:0011719, OMIM 606764, HP:0100723.

Submission:

Labcorp Genetics (formerly Invitae), Labcorp
Classification: Pathogenic for Gastrointestinal stromal tumor. Last evaluated: 2023-12-30. Review status: criteria provided, single submitter. Criteria: Invitae Variant Classification Sherloc (09022015). Collection method: clinical testing. Allele origin: germline.
Comment: This sequence change creates a premature translational stop signal (p.Lys499Argfs*28) in the KIT gene. It is expected to result in an absent or disrupted protein product. Loss-of-function variants in KIT are known to be pathogenic (PMID: 15194144). This variant is not present in population databases (gnomAD no frequency). This variant has not been reported in the literature in individuals affected with KIT-related conditions. For these reasons, this variant has been classified as Pathogenic.

Literature cited by the submitters: PubMed 15194144.